The following is an entry in ClinVar:

ClinVar aggregate classification (germline): Uncertain significance. Review status: criteria provided, multiple submitters, no conflicts (2 of 4 stars). 2 submissions from 2 submitters: Uncertain significance (2). Last evaluated 2026-03-24.

Conditions:
Developmental delay, hypotonia, and impaired language (DEDHIL). Identifiers: MedGen C5774202, MONDO:0859280, OMIM 620012.

gnomAD v4.1: 8 of 1,613,826 alleles (0.0005%); highest among the groups gnomAD compares: South Asian, 0.0022%; no homozygotes.

Submissions (2):

Women's Health and Genetics/Laboratory Corporation of America, LabCorp
Classification: Uncertain significance. Last evaluated: 2026-03-24. Review status: criteria provided, single submitter. Criteria: LabCorp Variant Classification Summary - May 2015. Collection method: clinical testing. Allele origin: germline.
Comment: Variant summary: FBXW7 c.306A>T (p.Glu102Asp) results in a conservative amino acid change in the encoded protein sequence. Algorithms developed to predict the effect of missense changes on protein structure and function are either unavailable or do not agree on the potential impact of this missense change. The variant allele was found at a frequency of 4e-06 in 250382 control chromosomes. The available data on variant occurrences in the general population are insufficient to allow any conclusion about variant significance. To our knowledge, no occurrence of c.306A>T in individuals affected with FBXW7-related conditions and no experimental evidence demonstrating its impact on protein function have been reported. ClinVar contains an entry for this variant (Variation ID: 3602664). Based on the evidence outlined above, the variant was classified as uncertain significance.

St. Jude Molecular Pathology, St. Jude Children's Research Hospital
Classification: Uncertain significance for Developmental delay, hypotonia, and impaired language. Last evaluated: 2024-12-28. Review status: criteria provided, single submitter. Criteria: St. Jude Assertion Criteria 2020. Collection method: clinical testing. Allele origin: germline.
Comment: The FBXW7 c.306A>T (p.Glu102Asp) missense change is absent in gnomAD v2.1.1. The in silico tool REVEL predicts a benign effect on protein function, but to our knowledge this prediction has not been confirmed by functional studies. To our knowledge, this variant has not been reported in individuals with FBXW7-associated Wilms tumor. In summary, the evidence currently available is insufficient to determine the clinical significance of this variant. It has therefore been classified as of uncertain significance.

NM_001349798.2(FBXW7):c.306A>T (p.Glu102Asp)

Gene: FBXW7 (F-box and WD repeat domain containing 7; minus strand). Cytogenetic location: 4q31.3.
Variant type: single nucleotide variant.
Coding change: c.306A>T on transcript NM_001349798.2 (MANE Select); coding-DNA position 306, A replaced by T.
Protein change: p.Glu102Asp; replaces glutamic acid 102 with aspartic acid.
Molecular consequence: missense variant.
Genome position (GRCh38, 1-based): chr4:152,411,498, T>A on the plus strand (A>T on the coding strand, the complement: FBXW7 is on the minus strand). VCF-style: chr4-152411498-T-A. GRCh37 (hg19) VCF-style: chr4-153332650-T-A.
Other names: c.306A>T, p.Glu102Asp (NM_001257069.1, NM_033632.3); short protein forms E102D.
Identifiers: ClinVar variation 3602664 (VCV003602664.2).